The following is an entry in ClinVar:

NM_018979.4(WNK1):c.-159C>T

Gene: WNK1 (WNK lysine deficient protein kinase 1; plus strand). Cytogenetic location: 12p13.33.
Variant type: single nucleotide variant.
Coding change: c.-159C>T on transcript NM_018979.4 (MANE Select); 159 bases upstream of the start codon, C replaced by T.
Molecular consequence: 5 prime UTR variant.
Genome position (GRCh38, 1-based): chr12:753,407, C>T. VCF-style: chr12-753407-C-T. GRCh37 (hg19) VCF-style: chr12-862573-C-T.
Other names: c.-159C>T (NM_001184985.2, NM_014823.3, NM_213655.5).
Identifiers: ClinVar variation 310531 (VCV000310531.5), dbSNP rs72647364, ClinGen allele CA10638577.

ClinVar aggregate classification (germline): Benign (1 of 4 stars; one submission).

Conditions:
Pseudohypoaldosteronism type 2C (PHA2C). Also called: Pseudohypoaldosteronism Type IIC. Identifiers: Orphanet 757, Orphanet 88940, MedGen C1840391, MONDO:0013778, OMIM 614492.

Allele frequency attached by ClinVar (database versions not stated): gnomAD exomes 0.00031; 1000 Genomes Project 0.00080; 1000 Genomes Project 30x 0.00109; gnomAD 0.00117 and 0.00119; TOPMed 0.00138.
gnomAD v4.1: 452 of 934,448 alleles (0.048%); highest among the groups gnomAD compares: African/African-American, 0.29%; 1 homozygote.

Submission:

Illumina Laboratory Services, Illumina
Classification: Benign for Pseudohypoaldosteronism type 2C. Last evaluated: 2018-01-12. Review status: criteria provided, single submitter. Criteria: ICSL Variant Classification Criteria 13 December 2019. Collection method: clinical testing. Allele origin: germline.
Comment: This variant was observed in the ICSL laboratory as part of a predisposition screen in an ostensibly healthy population. It had not been previously curated by ICSL or reported in the Human Gene Mutation Database (HGMD: prior to June 1st, 2018), and was therefore a candidate for classification through an automated scoring system. Utilizing variant allele frequency, disease prevalence and penetrance estimates, and inheritance mode, an automated score was calculated to assess if this variant is too frequent to cause the disease. Based on the score and internal cut-off values, a variant classified as benign is not then subjected to further curation. The score for this variant resulted in a classification of benign for this disease.